The following is an entry in ClinVar:

NM_031935.3(HMCN1):c.11971C>G (p.Gln3991Glu)

Gene: HMCN1 (hemicentin 1; plus strand). Cytogenetic location: 1q31.1.
Variant type: single nucleotide variant.
Coding change: c.11971C>G on transcript NM_031935.3 (MANE Select); coding-DNA position 11971, C replaced by G.
Protein change: p.Gln3991Glu; replaces glutamine 3991 with glutamic acid.
Molecular consequence: missense variant.
Genome position (GRCh38, 1-based): chr1:186,119,759, C>G. VCF-style: chr1-186119759-C-G. GRCh37 (hg19) VCF-style: chr1-186088891-C-G.
Other names: short protein forms Q3991E.
Identifiers: ClinVar variation 1948650 (VCV001948650.5), dbSNP rs375215975, ClinGen allele CA1294229.
Genomic context (GRCh38, chr1:186,119,759, plus strand): 5'-ATTAACTAGTGCTATTACTTCTTTTTGTTGATTGGTTTTTTTATAGAGCCTCCAGTCATT[C>G]AGCCCCAACCAAGTGAACTACACGTCATTCTGAACAATCCTATTTTATTACCATGTGAAG-3'
Protein context (NP_114141.2, residues 3981-4001): TLHVHEPPVI[Gln3991Glu]PQPSELHVIL

ClinVar aggregate classification (germline): Uncertain significance (1 of 4 stars; one submission).

Allele frequency attached by ClinVar (database versions not stated): gnomAD exomes below 0.00001; ExAC 0.00001; TOPMed 0.00001; gnomAD 0.00002; ESP Exome Variant Server 0.00008.
gnomAD v4.1: 7 of 1,613,832 alleles (0.00043%); highest among the groups gnomAD compares: African/African-American, 0.0093%; no homozygotes.

Submission:

Labcorp Genetics (formerly Invitae), Labcorp
Classification: Uncertain significance. Last evaluated: 2022-06-22. Review status: criteria provided, single submitter. Criteria: Invitae Variant Classification Sherloc (09022015). Collection method: clinical testing. Allele origin: germline.
Comment: In summary, the available evidence is currently insufficient to determine the role of this variant in disease. Therefore, it has been classified as a Variant of Uncertain Significance. Algorithms developed to predict the effect of missense changes on protein structure and function (SIFT, PolyPhen-2, Align-GVGD) all suggest that this variant is likely to be tolerated. This variant has not been reported in the literature in individuals affected with HMCN1-related conditions. This variant is present in population databases (rs375215975, gnomAD 0.008%). This sequence change replaces glutamine, which is neutral and polar, with glutamic acid, which is acidic and polar, at codon 3991 of the HMCN1 protein (p.Gln3991Glu).